The following is an entry in ClinVar:

ClinVar aggregate classification (germline): Likely benign (0 of 4 stars; one submission).

Conditions:
APBA2-related disorder. Also called: APBA2-related condition.

Allele frequency attached by ClinVar (database versions not stated): gnomAD exomes 0.00007; ExAC 0.00017; 1000 Genomes Project 0.00020; ESP Exome Variant Server 0.00038; gnomAD 0.00042; 1000 Genomes Project 30x 0.00047; TOPMed 0.00055.
gnomAD v4.1: 165 of 1,614,174 alleles (0.01%); highest among the groups gnomAD compares: African/African-American, 0.13%; no homozygotes.

Submission:

PreventionGenetics, part of Exact Sciences
Classification: Likely benign for APBA2-related condition. Last evaluated: 2020-01-24. Review status: no assertion criteria provided. Collection method: clinical testing. Allele origin: germline.
Comment: This variant is classified as likely benign based on ACMG/AMP sequence variant interpretation guidelines (Richards et al. 2015 PMID: 25741868, with internal and published modifications).

NM_001353788.2(APBA2):c.732C>T (p.Ser244=)

Gene: APBA2 (amyloid beta precursor protein binding family A member 2; plus strand). Cytogenetic location: 15q13.1.
Variant type: single nucleotide variant.
Coding change: c.732C>T on transcript NM_001353788.2 (MANE Select); coding-DNA position 732, C replaced by T.
Protein change: p.Ser244=; no amino-acid change (serine 244 retained).
Molecular consequence: synonymous variant.
Genome position (GRCh38, 1-based): chr15:29,054,616, C>T. VCF-style: chr15-29054616-C-T. GRCh37 (hg19) VCF-style: chr15-29346819-C-T.
Other names: c.732C>T, p.Ser244= (NM_001130414.1, NM_001353789.2, NM_001353790.2 and 7 more transcripts).
Identifiers: ClinVar variation 3040428 (VCV003040428.2), dbSNP rs151159537, ClinGen allele CA7445169.
Genomic context (GRCh38, chr15:29,054,616, plus strand): 5'-GGACATTGACCAGATCGTGGCAGAGATCAAGATGAGTCTGAGCATGACCAGCATCACCAG[C>T]GCCAGTGAGGCCAGCCCCGAGCATGGGCCTGAGCCAGGGCCTGAGGACTCTGTAGAGGCC-3'
Protein context (NP_001340717.1, residues 234-254): KMSLSMTSIT[Ser244=]ASEASPEHGP